The following is an entry in ClinVar:

NM_144643.4(SCLT1):c.61C>T (p.Arg21Trp)

Gene: SCLT1 (sodium channel and clathrin linker 1; minus strand). Cytogenetic location: 4q28.2.
Variant type: single nucleotide variant.
Coding change: c.61C>T on transcript NM_144643.4 (MANE Select); coding-DNA position 61, C replaced by T.
Protein change: p.Arg21Trp; replaces arginine 21 with tryptophan.
Molecular consequence: missense variant.
Genome position (GRCh38, 1-based): chr4:129,082,347, G>A on the plus strand (C>T on the coding strand, the complement: SCLT1 is on the minus strand). VCF-style: chr4-129082347-G-A. GRCh37 (hg19) VCF-style: chr4-130003502-G-A.
Other names: c.61C>T, p.Arg21Trp (NM_001300897.2, NM_001300898.2, NM_001410807.1); c.61C>T (NM_144643.3, NM_144643.2); short protein forms R21W.
Identifiers: ClinVar variation 2193124 (VCV002193124.7), dbSNP rs536017829, ClinGen allele CA3080096.

ClinVar aggregate classification (germline): Conflicting classifications of pathogenicity. Review status: criteria provided, conflicting classifications (1 of 4 stars). 4 submissions from 4 submitters: Uncertain significance (3); Likely benign (1). Last evaluated 2026-05-30.

Conditions:
SCLT1-related disorder. Also called: SCLT1-related condition.

Allele frequency attached by ClinVar (database versions not stated): ExAC 0.00002; gnomAD 0.00009; TOPMed 0.00012; 1000 Genomes Project 30x 0.00016; 1000 Genomes Project 0.00020.

Submissions (4):

PreventionGenetics, part of Exact Sciences
Classification: Uncertain significance for SCLT1-related condition. Last evaluated: 2026-05-30. Review status: criteria provided, single submitter. Criteria: ACMG Guidelines, 2015. Collection method: clinical testing. Allele origin: germline.
Comment: The SCLT1 c.61C>T variant is predicted to result in the amino acid substitution p.Arg21Trp. To our knowledge, this variant has not been reported in the literature. This variant is reported in 0.0031% of alleles in individuals of European (non-Finnish) descent in gnomAD. At this time, the clinical significance of this variant is uncertain due to the absence of conclusive functional and genetic evidence.

Labcorp Genetics (formerly Invitae), Labcorp
Classification: Uncertain significance. Last evaluated: 2024-10-21. Review status: criteria provided, single submitter. Criteria: Invitae Variant Classification Sherloc (09022015). Collection method: clinical testing. Allele origin: germline.
Comment: This sequence change replaces arginine, which is basic and polar, with tryptophan, which is neutral and slightly polar, at codon 21 of the SCLT1 protein (p.Arg21Trp). The frequency data for this variant in the population databases is considered unreliable, as metrics indicate poor data quality at this position in the gnomAD database. This variant has not been reported in the literature in individuals affected with SCLT1-related conditions. ClinVar contains an entry for this variant (Variation ID: 2193124). An algorithm developed to predict the effect of missense changes on protein structure and function outputs the following: PolyPhen-2: "Benign". The tryptophan amino acid residue is found in multiple mammalian species, which suggests that this missense change does not adversely affect protein function. In summary, the available evidence is currently insufficient to determine the role of this variant in disease. Therefore, it has been classified as a Variant of Uncertain Significance.

Ambry Genetics
Classification: Likely benign. Last evaluated: 2024-03-19. Review status: criteria provided, single submitter. Criteria: Ambry Variant Classification Scheme 2023. Collection method: clinical testing. Allele origin: germline.

Blueprint Genetics
Classification: Uncertain significance. Last evaluated: 2024-03-13. Review status: criteria provided, single submitter. Criteria: ACMG Guidelines, 2015. Collection method: clinical testing. Allele origin: germline.